The following is an entry in ClinVar:

NM_032122.5(DTNBP1):c.733G>C (p.Asp245His)

Gene: DTNBP1 (dystrobrevin binding protein 1; minus strand). Cytogenetic location: 6p22.3.
Variant type: single nucleotide variant.
Coding change: c.733G>C on transcript NM_032122.5 (MANE Select); coding-DNA position 733, G replaced by C.
Protein change: p.Asp245His; replaces aspartic acid 245 with histidine.
Molecular consequence: missense variant. On other transcripts: non-coding transcript variant (1).
Genome position (GRCh38, 1-based): chr6:15,524,604, C>G on the plus strand (G>C on the coding strand, the complement: DTNBP1 is on the minus strand). VCF-style: chr6-15524604-C-G. GRCh37 (hg19) VCF-style: chr6-15524835-C-G.
Other names: c.490G>C, p.Asp164His (NM_001271667.2); c.682G>C, p.Asp228His (NM_001271668.2); c.628G>C, p.Asp210His (NM_001271669.2); c.733G>C, p.Asp245His (NM_183040.2); c.733G>C (NM_032122.4); short protein forms D210H, D228H, D164H, D245H.
Identifiers: ClinVar variation 1509785 (VCV001509785.6), dbSNP rs771465987, ClinGen allele CA3643909.
Genomic context (GRCh38, chr6:15,524,604, plus strand): 5'-CAGTGTTCTCTTCTCCTCCAGAGTTCAGGAAGACGTCCAGGGCCTCCTGGTCCGATATGT[C>G]CATCAGGTCCATCTGCTCCAGCATGTCCACGTTCACTTCCATGGATGACATGCTGCCTAT-3'
Protein context (NP_115498.2, residues 235-255): VDMLEQMDLM[Asp245His]ISDQEALDVF

ClinVar aggregate classification (germline): Uncertain significance. Review status: criteria provided, multiple submitters, no conflicts (2 of 4 stars). 2 submissions from 2 submitters: Uncertain significance (2). Last evaluated 2024-06-28.

Conditions:
Inborn genetic diseases. Identifiers: MedGen C0950123, MeSH D030342.

Allele frequency attached by ClinVar (database versions not stated): gnomAD 0.00001; ExAC 0.00005.
gnomAD v4.1: 23 of 1,613,674 alleles (0.0014%); highest among the groups gnomAD compares: Middle Eastern, 0.016%; no homozygotes.

Submissions (2):

Ambry Genetics
Classification: Uncertain significance for Inborn genetic diseases. Last evaluated: 2024-06-28. Review status: criteria provided, single submitter. Criteria: Ambry Variant Classification Scheme 2023. Collection method: clinical testing. Allele origin: germline.

Labcorp Genetics (formerly Invitae), Labcorp
Classification: Uncertain significance. Last evaluated: 2023-10-11. Review status: criteria provided, single submitter. Criteria: Invitae Variant Classification Sherloc (09022015). Collection method: clinical testing. Allele origin: germline.
Comment: This sequence change replaces aspartic acid, which is acidic and polar, with histidine, which is basic and polar, at codon 245 of the DTNBP1 protein (p.Asp245His). This variant is present in population databases (rs771465987, gnomAD 0.01%). This variant has not been reported in the literature in individuals affected with DTNBP1-related conditions. ClinVar contains an entry for this variant (Variation ID: 1509785). Advanced modeling of protein sequence and biophysical properties (such as structural, functional, and spatial information, amino acid conservation, physicochemical variation, residue mobility, and thermodynamic stability) performed at Invitae indicates that this missense variant is expected to disrupt DTNBP1 protein function. In summary, the available evidence is currently insufficient to determine the role of this variant in disease. Therefore, it has been classified as a Variant of Uncertain Significance.